The following is an entry in ClinVar:

ClinVar aggregate classification (germline): Likely pathogenic (1 of 4 stars; one submission).

Conditions:
Frontotemporal dementia and/or amyotrophic lateral sclerosis 6 (FTDALS6). Also called: VCP-Related Amyotrophic Lateral Sclerosis; VCP-Related Amyotrophic Lateral Sclerosis/Frontotemporal Dementia. Identifiers: Orphanet 275872, Orphanet 803, MedGen C5436279, MONDO:0013501, OMIM 613954.
Inclusion body myopathy with Paget disease of bone and frontotemporal dementia. Also called: Inclusion body myopathy with early-onset Paget disease and frontotemporal dementia. Identifiers: Orphanet 52430, MedGen C1833662, MONDO:0000507.

Submission:

Labcorp Genetics (formerly Invitae), Labcorp
Classification: Likely pathogenic for Inclusion body myopathy with Paget disease of bone and frontotemporal dementia; Frontotemporal dementia and/or amyotrophic lateral sclerosis 6. Last evaluated: 2023-02-15. Review status: criteria provided, single submitter. Criteria: Invitae Variant Classification Sherloc (09022015). Collection method: clinical testing. Allele origin: germline.
Comment: This variant disrupts the p.Asn91 amino acid residue in VCP. Other variant(s) that disrupt this residue have been determined to be pathogenic (PMID: 27538664; Invitae). This suggests that this residue is clinically significant, and that variants that disrupt this residue are likely to be disease-causing. Advanced modeling of protein sequence and biophysical properties (such as structural, functional, and spatial information, amino acid conservation, physicochemical variation, residue mobility, and thermodynamic stability) performed at Invitae indicates that this missense variant is expected to disrupt VCP protein function. In summary, the currently available evidence indicates that the variant is pathogenic, but additional data are needed to prove that conclusively. Therefore, this variant has been classified as Likely Pathogenic. This sequence change replaces asparagine, which is neutral and polar, with lysine, which is basic and polar, at codon 91 of the VCP protein (p.Asn91Lys). This variant is not present in population databases (gnomAD no frequency). This missense change has been observed in individual(s) with clinical features of VCP-related disease (Invitae). ClinVar contains an entry for this variant (Variation ID: 1496153).

Literature cited by the submitters: PubMed 27538664.

NM_007126.5(VCP):c.273C>A (p.Asn91Lys)

Gene: VCP (valosin containing protein; minus strand). Cytogenetic location: 9p13.3.
Variant type: single nucleotide variant.
Coding change: c.273C>A on transcript NM_007126.5 (MANE Select); coding-DNA position 273, C replaced by A.
Protein change: p.Asn91Lys; replaces asparagine 91 with lysine.
Molecular consequence: missense variant.
Genome position (GRCh38, 1-based): chr9:35,067,920, G>T on the plus strand (C>A on the coding strand, the complement: VCP is on the minus strand). VCF-style: chr9-35067920-G-T. GRCh37 (hg19) VCF-style: chr9-35067917-G-T.
Other names: c.138C>A, p.Asn46Lys (NM_001354927.2, NM_001354928.2); short protein forms N46K, N91K.
Identifiers: ClinVar variation 1496153 (VCV001496153.6), dbSNP rs1563980966, ClinGen allele CA373293471.